The following is an entry in ClinVar:

ClinVar aggregate classification (germline): Conflicting classifications of pathogenicity. Review status: criteria provided, conflicting classifications (1 of 4 stars). 3 submissions from 3 submitters: Pathogenic (1); Uncertain significance (2). Last evaluated 2025-09-15.

Conditions:
Dyskeratosis congenita. Identifiers: Orphanet 1775, MedGen C0265965, MONDO:0015780.
Dyskeratosis congenita, autosomal dominant 2. Identifiers: MedGen C3151443, MONDO:0013521, OMIM 613989.
Idiopathic Pulmonary Fibrosis. Also called: Idiopathic fibrosing alveolitis, chronic form; idiopathic fibrosing alveolitis. Identifiers: Orphanet 2032, MedGen C1800706, MeSH D054990, MONDO:0800504.

Submissions (3):

Labcorp Genetics (formerly Invitae), Labcorp
Classification: Pathogenic for Dyskeratosis congenita, autosomal dominant 2; Idiopathic Pulmonary Fibrosis. Last evaluated: 2025-09-15. Review status: criteria provided, single submitter. Criteria: Invitae Variant Classification Sherloc (09022015). Collection method: clinical testing. Allele origin: germline.
Comment: This sequence change replaces glycine, which is neutral and non-polar, with aspartic acid, which is acidic and polar, at codon 890 of the TERT protein (p.Gly890Asp). This variant is not present in population databases (gnomAD no frequency). This missense change has been observed in individuals with clinical features of idiopathic pulmonary fibrosis (PMID: 40888375; internal data). It has also been observed to segregate with disease in related individuals. ClinVar contains an entry for this variant (Variation ID: 3757753). Invitae Evidence Modeling of protein sequence and biophysical properties (such as structural, functional, and spatial information, amino acid conservation, physicochemical variation, residue mobility, and thermodynamic stability) indicates that this missense variant is expected to disrupt TERT protein function with a positive predictive value of 95%. For these reasons, this variant has been classified as Pathogenic.

Ambry Genetics
Classification: Uncertain significance for Dyskeratosis congenita. Last evaluated: 2025-01-23. Review status: criteria provided, single submitter. Criteria: Ambry Variant Classification Scheme 2023. Collection method: clinical testing. Allele origin: germline.
Comment: The p.G890D variant (also known as c.2669G>A), located in coding exon 11 of the TERT gene, results from a G to A substitution at nucleotide position 2669. The glycine at codon 890 is replaced by aspartic acid, an amino acid with similar properties. This amino acid position is conserved. In addition, this alteration is predicted to be deleterious by in silico analysis. Based on the available evidence, the clinical significance of this variant remains unclear.

GeneDx
Classification: Uncertain significance. Last evaluated: 2024-08-25. Review status: criteria provided, single submitter. Criteria: GeneDx Variant Classification Process June 2021. Collection method: clinical testing. Allele origin: germline. Affected: yes.
Comment: Not observed at significant frequency in large population cohorts (gnomAD); In silico analysis supports that this missense variant has a deleterious effect on protein structure/function; Has not been previously published as pathogenic or benign to our knowledge

Literature cited by the submitters: PubMed 40888375 (cited by Labcorp Genetics (formerly Invitae), Labcorp).

NM_198253.3(TERT):c.2669G>A (p.Gly890Asp)

Gene: TERT (telomerase reverse transcriptase; minus strand). Cytogenetic location: 5p15.33.
Variant type: single nucleotide variant.
Coding change: c.2669G>A on transcript NM_198253.3 (MANE Select); coding-DNA position 2669, G replaced by A.
Protein change: p.Gly890Asp; replaces glycine 890 with aspartic acid.
Molecular consequence: missense variant. On other transcripts: intron variant (1).
Genome position (GRCh38, 1-based): chr5:1,264,578, C>T on the plus strand (G>A on the coding strand, the complement: TERT is on the minus strand). VCF-style: chr5-1264578-C-T. GRCh37 (hg19) VCF-style: chr5-1264693-C-T.
Other names: c.2654+1886G>A (NM_001193376.3); short protein forms G890D.
Identifiers: ClinVar variation 3757753 (VCV003757753.4).